The following is an entry in ClinVar:

NC_000009.12:g.(?_127815012)_(127854773_?)del

Genes: ENG (endoglin; minus strand), LOC102723566 (uncharacterized LOC102723566; plus strand). Cytogenetic location: 9q34.11.
Variant type: Deletion.
Identifiers: ClinVar variation 417397 (VCV000417397.1).

ClinVar aggregate classification (germline): Pathogenic (1 of 4 stars; one submission).

Conditions:
Telangiectasia, hereditary hemorrhagic, type 1 (HHT1). Also called: ENG-Related Hereditary Hemorrhagic Telangiectasia; Osler Weber Rendu syndrome type 1. Identifiers: Orphanet 774, MedGen C4551861, MONDO:0008535, OMIM 187300. Disease mechanism: loss of function.

Submission:

Labcorp Genetics (formerly Invitae), Labcorp
Classification: Pathogenic for Hereditary hemorrhagic telangiectasia. Last evaluated: 2016-10-12. Review status: criteria provided, single submitter. Criteria: Invitae Variant Classification Sherloc (09022015). Collection method: clinical testing. Allele origin: germline.
Comment: A gross deletion of the genomic region encompassing the full coding sequence of the ENG gene has been identified. The boundaries of this event are unknown as the deletion extends beyond the assayed region for this gene and therefore may encompass additional genes. Loss-of-function variants in ENG are known to be pathogenic (PMID: 15879500). This particular variant has been reported in the literature in individuals with hereditary hemorrhagic telangiectasia syndrome (PMID: 20414677, 24267784). For these reasons, this variant has been classified as Pathogenic.